The following is an entry in ClinVar:

ClinVar aggregate classification (germline): Likely benign. Review status: criteria provided, multiple submitters, no conflicts (2 of 4 stars). 3 submissions from 3 submitters: Likely benign (3). Last evaluated 2026-02-02.

Conditions:
TOPORS-related disorder. Also called: TOPORS-related condition.

Allele frequency attached by ClinVar (database versions not stated): gnomAD exomes below 0.00001.
gnomAD v4.1: 5 of 1,613,586 alleles (0.00031%); highest among the groups gnomAD compares: Admixed American, 0.0033%; no homozygotes.

Submissions (3):

Labcorp Genetics (formerly Invitae), Labcorp
Classification: Likely benign. Last evaluated: 2026-02-02. Review status: criteria provided, single submitter. Criteria: Invitae Variant Classification Sherloc (09022015). Collection method: clinical testing. Allele origin: germline.

PreventionGenetics, part of Exact Sciences
Classification: Likely benign for TOPORS-related condition. Last evaluated: 2024-12-19. Review status: criteria provided, single submitter. Criteria: ACMG Guidelines, 2015. Collection method: clinical testing. Allele origin: germline.
Comment: This variant is classified as likely benign based on ACMG/AMP sequence variant interpretation guidelines (Richards et al. 2015 PMID: 25741868, with internal and published modifications).

Blueprint Genetics
Classification: Likely benign. Last evaluated: 2021-11-02. Review status: criteria provided, single submitter. Criteria: ACMG Guidelines, 2015. Collection method: clinical testing. Allele origin: germline.

NM_005802.5(TOPORS):c.2088T>C (p.Tyr696=)

Gene: TOPORS (TOP1 binding arginine/serine rich protein, E3 ubiquitin ligase; minus strand). Cytogenetic location: 9p21.1.
Variant type: single nucleotide variant.
Coding change: c.2088T>C on transcript NM_005802.5 (MANE Select); coding-DNA position 2088, T replaced by C.
Protein change: p.Tyr696=; no amino-acid change (tyrosine 696 retained).
Molecular consequence: synonymous variant.
Genome position (GRCh38, 1-based): chr9:32,542,437, A>G on the plus strand (T>C on the coding strand, the complement: TOPORS is on the minus strand). VCF-style: chr9-32542437-A-G. GRCh37 (hg19) VCF-style: chr9-32542435-A-G.
Other names: c.2088T>C (NM_005802.4); c.1893T>C, p.Tyr631= (NM_001195622.2).
Identifiers: ClinVar variation 1917355 (VCV001917355.7), dbSNP rs1337641143, ClinGen allele CA464585449.